The following is an entry in ClinVar:

NM_001376.5(DYNC1H1):c.13483G>T (p.Ala4495Ser)

Gene: DYNC1H1 (dynein cytoplasmic 1 heavy chain 1; plus strand). Cytogenetic location: 14q32.31.
Variant type: single nucleotide variant.
Coding change: c.13483G>T on transcript NM_001376.5 (MANE Select); coding-DNA position 13483, G replaced by T.
Protein change: p.Ala4495Ser; replaces alanine 4495 with serine.
Molecular consequence: missense variant.
Genome position (GRCh38, 1-based): chr14:102,049,550, G>T. VCF-style: chr14-102049550-G-T. GRCh37 (hg19) VCF-style: chr14-102515887-G-T.
Other names: short protein forms A4495S.
Identifiers: ClinVar variation 4802090 (VCV004802090.1).

ClinVar aggregate classification (germline): Uncertain significance (1 of 4 stars; one submission).

Conditions:
Charcot-Marie-Tooth disease axonal type 2O. Also called: CHARCOT-MARIE-TOOTH NEUROPATHY, AXONAL, TYPE 2O; CHARCOT-MARIE-TOOTH DISEASE, AXONAL, AUTOSOMAL DOMINANT, TYPE 2O; Charcot-Marie-Tooth Neuropathy Type 2O; Charcot-Marie-Tooth disease, axonal, type 20. Identifiers: Orphanet 284232, MedGen C3280220, MONDO:0013644, OMIM 614228.

Submission:

Labcorp Genetics (formerly Invitae), Labcorp
Classification: Uncertain significance for Charcot-Marie-Tooth disease axonal type 2O. Last evaluated: 2025-02-23. Review status: criteria provided, single submitter. Criteria: Invitae Variant Classification Sherloc (09022015). Collection method: clinical testing. Allele origin: germline.
Comment: This sequence change replaces alanine, which is neutral and non-polar, with serine, which is neutral and polar, at codon 4495 of the DYNC1H1 protein (p.Ala4495Ser). This variant is not present in population databases (gnomAD no frequency). This variant has not been reported in the literature in individuals affected with DYNC1H1-related conditions. Invitae Evidence Modeling of protein sequence and biophysical properties (such as structural, functional, and spatial information, amino acid conservation, physicochemical variation, residue mobility, and thermodynamic stability) indicates that this missense variant is not expected to disrupt DYNC1H1 protein function with a negative predictive value of 95%. In summary, the available evidence is currently insufficient to determine the role of this variant in disease. Therefore, it has been classified as a Variant of Uncertain Significance.